The following is an entry in ClinVar:

ClinVar aggregate classification (germline): Pathogenic (1 of 4 stars; one submission).

Conditions:
Pelizaeus-Merzbacher disease. Also called: Pelizeaus-Merzbacher spectrum disorder; Sudanophilic leukodystrophy; Pelizaeus-Merzbacher spectrum disorder; Pelizaeus-Merzbacher Disease (PMD); LEUKODYSTROPHY, HYPOMYELINATING, 1. Identifiers: Orphanet 702, MedGen C0205711, MONDO:0010714, OMIM 312080, HP:0003269.

Submission:

Mendelics
Classification: Pathogenic for Pelizaeus-Merzbacher disease. Last evaluated: 2026-03-05. Review status: criteria provided, single submitter. Criteria: ACMG Guidelines, 2015. Collection method: clinical testing. Allele origin: unknown.
Comment: Likely pathogenic/Pathogenic according to ACMG criteria.

NM_000533.5(PLP1):c.646C>A (p.Pro216Thr)

Genes: PLP1 (proteolipid protein 1; plus strand), RAB9B (RAB9B, member RAS oncogene family; minus strand). Cytogenetic location: Xq22.2.
Variant type: single nucleotide variant.
Coding change: c.646C>A on transcript NM_000533.5 (MANE Select); coding-DNA position 646, C replaced by A.
Protein change: p.Pro216Thr; replaces proline 216 with threonine.
Molecular consequence: missense variant.
Genome position (GRCh38, 1-based): chrX:103,788,460, C>A. VCF-style: chrX-103788460-C-A. GRCh37 (hg19) VCF-style: chrX-103043389-C-A.
Other names: c.646C>A, p.Pro216Thr (NM_001128834.3); c.481C>A, p.Pro161Thr (NM_001305004.1); c.541C>A, p.Pro181Thr (NM_199478.3); short protein forms P161T, P181T, P216T.
Identifiers: ClinVar variation 4813545 (VCV004813545.1).
Genomic context (GRCh38, chrX:103,788,460, plus strand): 5'-TAAAGCTTACCCTGCTTGCTTTTTGTGTCTTACTTAGGTGTTCTCCCATGGAATGCTTTC[C>A]CTGGCAAGGTTTGTGGCTCCAACCTTCTGTCCATCTGCAAAACAGCTGAGGTGAGTGGGT-3'
Protein context (NP_000524.3, residues 206-226): MYGVLPWNAF[Pro216Thr]GKVCGSNLLS